The following is an entry in ClinVar:

NM_015978.3(TNNI3K):c.544-9A>G

Genes: FPGT-TNNI3K (FPGT-TNNI3K readthrough; plus strand), TNNI3K (TNNI3 interacting kinase; plus strand). Cytogenetic location: 1p31.1.
Variant type: single nucleotide variant.
Coding change: c.544-9A>G on transcript NM_015978.3 (MANE Select); 9 bases into the intron before coding-DNA position 544, A replaced by G.
Molecular consequence: intron variant.
Genome position (GRCh38, 1-based): chr1:74,336,002, A>G. VCF-style: chr1-74336002-A-G. GRCh37 (hg19) VCF-style: chr1-74801686-A-G.
Other names: c.847-9A>G (NM_001112808.3, NM_001199327.2).
Identifiers: ClinVar variation 1400669 (VCV001400669.7), dbSNP rs1222052960, ClinGen allele CA523790035.

ClinVar aggregate classification (germline): Uncertain significance (1 of 4 stars; one submission).

Allele frequency attached by ClinVar (database versions not stated): gnomAD 0.00001.

Submission:

Labcorp Genetics (formerly Invitae), Labcorp
Classification: Uncertain significance. Last evaluated: 2023-05-01. Review status: criteria provided, single submitter. Criteria: Invitae Variant Classification Sherloc (09022015). Collection method: clinical testing. Allele origin: germline.
Comment: This sequence change falls in intron 6 of the TNNI3K gene. It does not directly change the encoded amino acid sequence of the TNNI3K protein. This variant is present in population databases (no rsID available, gnomAD 0.01%). This variant has not been reported in the literature in individuals affected with TNNI3K-related conditions. ClinVar contains an entry for this variant (Variation ID: 1400669). Algorithms developed to predict the effect of sequence changes on RNA splicing suggest that this variant may disrupt the consensus splice site. In summary, the available evidence is currently insufficient to determine the role of this variant in disease. Therefore, it has been classified as a Variant of Uncertain Significance.